The following is an entry in ClinVar:

NM_001330360.2(POLA1):c.436G>T (p.Ala146Ser)

Gene: POLA1 (DNA polymerase alpha 1, catalytic subunit; plus strand). Cytogenetic location: Xp22.11.
Variant type: single nucleotide variant.
Coding change: c.436G>T on transcript NM_001330360.2 (MANE Select); coding-DNA position 436, G replaced by T.
Protein change: p.Ala146Ser; replaces alanine 146 with serine.
Molecular consequence: missense variant. On other transcripts: non-coding transcript variant (2).
Genome position (GRCh38, 1-based): chrX:24,714,643, G>T. VCF-style: chrX-24714643-G-T. GRCh37 (hg19) VCF-style: chrX-24732760-G-T.
Other names: c.436G>T, p.Ala146Ser (NM_001378303.1); c.418G>T, p.Ala140Ser (NM_016937.4); short protein forms A140S, A146S.
Identifiers: ClinVar variation 3381576 (VCV003381576.1).

ClinVar aggregate classification (germline): Uncertain significance (1 of 4 stars; one submission).

Submission:

GeneDx
Classification: Uncertain significance. Last evaluated: 2024-05-19. Review status: criteria provided, single submitter. Criteria: GeneDx Variant Classification Process June 2021. Collection method: clinical testing. Allele origin: germline. Affected: yes.
Comment: Not observed at significant frequency in large population cohorts (gnomAD); In silico analysis indicates that this missense variant does not alter protein structure/function; Has not been previously published as pathogenic or benign to our knowledge